The following is an entry in ClinVar:

NM_000368.5(TSC1):c.348A>G (p.Leu116=)

Gene: TSC1 (TSC complex subunit 1; minus strand). Cytogenetic location: 9q34.13.
Variant type: single nucleotide variant.
Coding change: c.348A>G on transcript NM_000368.5 (MANE Select); coding-DNA position 348, A replaced by G.
Protein change: p.Leu116=; no amino-acid change (leucine 116 retained).
Molecular consequence: synonymous variant. On other transcripts: 5 prime UTR variant (1), intron variant (1).
Genome position (GRCh38, 1-based): chr9:132,925,602, T>C on the plus strand (A>G on the coding strand, the complement: TSC1 is on the minus strand). VCF-style: chr9-132925602-T-C. GRCh37 (hg19) VCF-style: chr9-135800989-T-C.
Other names: c.348A>G, p.Leu116= (NM_001162426.2); c.-16A>G (NM_001362177.2); c.210+1599A>G (NM_001162427.2).
Identifiers: ClinVar variation 754123 (VCV000754123.13), dbSNP rs755799702, ClinGen allele CA467594129.

ClinVar aggregate classification (germline): Benign/Likely benign. Review status: criteria provided, multiple submitters, no conflicts (2 of 4 stars). 3 submissions from 3 submitters: Benign (1); Likely benign (2). Last evaluated 2025-04-08.

Conditions:
Hereditary cancer-predisposing syndrome. Also called: Tumor predisposition; Hereditary Cancer Syndrome; Neoplastic Syndromes, Hereditary; Hereditary neoplastic syndrome. Identifiers: Orphanet 140162, MedGen C0027672, MeSH D009386, MONDO:0015356.
Tuberous sclerosis 1 (TSC1). Identifiers: Orphanet 805, MedGen C1854465, MONDO:0008612, OMIM 191100.

Submissions (3):

Myriad Genetics, Inc.
Classification: Benign for Tuberous sclerosis 1. Last evaluated: 2025-04-08. Review status: criteria provided, single submitter. Criteria: Myriad Autosomal Dominant, Autosomal Recessive and X-Linked Classification Criteria (2023). Collection method: clinical testing. Allele origin: unknown.
Comment: This variant is considered benign. This variant is a silent/synonymous amino acid change and it is not expected to impact splicing.

Labcorp Genetics (formerly Invitae), Labcorp
Classification: Likely benign for Tuberous sclerosis 1. Last evaluated: 2022-07-25. Review status: criteria provided, single submitter. Criteria: Invitae Variant Classification Sherloc (09022015). Collection method: clinical testing. Allele origin: germline.

Ambry Genetics
Classification: Likely benign for Hereditary cancer-predisposing syndrome. Last evaluated: 2021-08-02. Review status: criteria provided, single submitter. Criteria: Ambry Variant Classification Scheme 2023. Collection method: clinical testing. Allele origin: germline.